The following is an entry in ClinVar:

NM_001365536.1(SCN9A):c.3628-58dup

Genes: SCN1A-AS1 (SCN1A and SCN9A antisense RNA 1; plus strand), SCN9A (sodium voltage-gated channel alpha subunit 9; minus strand). Cytogenetic location: 2q24.3.
Variant type: Duplication.
Coding change: c.3628-58dup on transcript NM_001365536.1 (MANE Select); 58 bases into the intron before coding-DNA position 3628, one base duplicated (T; older notation c.3628-58dupT).
Molecular consequence: intron variant.
Genome position (GRCh38, 1-based): chr2:166,238,325, A duplicated on the plus strand (T on the coding strand, the reverse complement: SCN9A is on the minus strand); the first of 8 consecutive A bases (chr2:166,238,325-166,238,332); duplicating any one gives the same sequence. VCF-style (leftmost placement, unchanged base first): chr2-166238324-T-TA. GRCh37 (hg19) VCF-style: chr2-167094834-T-TA.
Other names: c.3595-58dup (NM_002977.4).
Identifiers: ClinVar variation 3255304 (VCV003255304.2), dbSNP rs146201982.

ClinVar aggregate classification (germline): Benign (1 of 4 stars; one submission).

Submission:

Unidad de Genómica Garrahan, Hospital de Pediatría Garrahan
Classification: Benign. Last evaluated: 2024-07-15. Review status: criteria provided, single submitter. Criteria: ACMG Guidelines, 2015. Collection method: clinical testing. Allele origin: germline. Affected: no. Observed: 24 variant alleles.
Comment: This variant is classified as Benign based on local population frequency. This variant was detected in 26% of patients studied in a panel designed for Epileptic and Developmental Encephalopathy and Progressive Myoclonus Epilepsy. Number of patients: 24. Only high quality variants are reported.